The following is an entry in ClinVar:

ClinVar aggregate classification (germline): Uncertain significance (1 of 4 stars; one submission).

Conditions:
Baller-Gerold syndrome (BGS). Also called: CRANIOSYNOSTOSIS WITH RADIAL DEFECTS. Identifiers: Orphanet 1225, MedGen C0265308, MONDO:0009039, OMIM 218600.

Submission:

Labcorp Genetics (formerly Invitae), Labcorp
Classification: Uncertain significance for Baller-Gerold syndrome. Last evaluated: 2024-07-09. Review status: criteria provided, single submitter. Criteria: Invitae Variant Classification Sherloc (09022015). Collection method: clinical testing. Allele origin: germline.
Comment: This sequence change replaces proline, which is neutral and non-polar, with serine, which is neutral and polar, at codon 432 of the RECQL4 protein (p.Pro432Ser). This variant is not present in population databases (gnomAD no frequency). This variant has not been reported in the literature in individuals affected with RECQL4-related conditions. Experimental studies and prediction algorithms are not available or were not evaluated, and the functional significance of this variant is currently unknown. In summary, the available evidence is currently insufficient to determine the role of this variant in disease. Therefore, it has been classified as a Variant of Uncertain Significance.

NM_004260.4(RECQL4):c.1294C>T (p.Pro432Ser)

Gene: RECQL4 (RecQ like helicase 4; minus strand). Cytogenetic location: 8q24.3.
Variant type: single nucleotide variant.
Coding change: c.1294C>T on transcript NM_004260.4 (MANE Select); coding-DNA position 1294, C replaced by T.
Protein change: p.Pro432Ser; replaces proline 432 with serine.
Molecular consequence: missense variant. On other transcripts: 5 prime UTR variant (1), non-coding transcript variant (3).
Genome position (GRCh38, 1-based): chr8:144,515,422, G>A on the plus strand (C>T on the coding strand, the complement: RECQL4 is on the minus strand). VCF-style: chr8-144515422-G-A. GRCh37 (hg19) VCF-style: chr8-145740806-G-A.
Other names: c.157C>T, p.Pro53Ser (NM_001413031.1, NM_001413032.1, NM_001413027.1 and 2 more transcripts); c.1294C>T, p.Pro432Ser (NM_001413033.1, NM_001413036.1, NM_001413039.1 and 2 more transcripts); c.223C>T, p.Pro75Ser (NM_001413034.1, NM_001413035.1, NM_001413037.1 and 8 more transcripts); c.1198C>T, p.Pro400Ser (NM_001413017.1, NM_001413020.1); c.1165C>T, p.Pro389Ser (NM_001413025.1); c.943C>T, p.Pro315Ser (NM_001413029.1); c.-174C>T (NM_001413043.1); short protein forms P315S, P389S, P400S, P432S, P53S, P75S.
Identifiers: ClinVar variation 3611204 (VCV003611204.1).